The following is an entry in ClinVar:

ClinVar aggregate classification (germline): Uncertain significance (1 of 4 stars; one submission).

Conditions:
RASopathy. Also called: Noonan spectrum disorder; rasopathies. Identifiers: Orphanet 536391, MedGen C5555857, MONDO:0021060.

Submission:

Labcorp Genetics (formerly Invitae), Labcorp
Classification: Uncertain significance for RASopathy. Last evaluated: 2025-12-14. Review status: criteria provided, single submitter. Criteria: Invitae Variant Classification Sherloc (09022015). Collection method: clinical testing. Allele origin: germline.
Comment: This variant, c.1506_1508del, results in the deletion of 1 amino acid(s) of the CBL protein (p.Leu503del), but otherwise preserves the integrity of the reading frame. This variant is not present in population databases (gnomAD no frequency). This variant has not been reported in the literature in individuals affected with CBL-related conditions. ClinVar contains an entry for this variant (Variation ID: 3663399). Experimental studies and prediction algorithms are not available or were not evaluated, and the functional significance of this variant is currently unknown. In summary, the available evidence is currently insufficient to determine the role of this variant in disease. Therefore, it has been classified as a Variant of Uncertain Significance.

NM_005188.4(CBL):c.1506_1508del (p.Leu503del)

Gene: CBL (Cbl proto-oncogene; plus strand). Cytogenetic location: 11q23.3.
Variant type: Deletion.
Coding change: c.1506_1508del on transcript NM_005188.4 (MANE Select); coding-DNA positions 1506 to 1508, 3 bases deleted (TCT; older notation c.1506_1508delTCT).
Protein change: p.Leu503del; deletes leucine 503.
Genome position (GRCh38, 1-based): chr11:119,285,043-119,285,045, TCT deleted; deleting any 3 consecutive bases within chr11:119,285,041-119,285,045 gives the same sequence; the c. name uses the placement nearest the transcript's 3' end. VCF-style (leftmost placement, unchanged base first): chr11-119285040-CCTT-C. GRCh37 (hg19) VCF-style: chr11-119155750-CCTT-C.
Other names: short protein forms L503del.
Identifiers: ClinVar variation 3663399 (VCV003663399.2).